The following is an entry in ClinVar:

NM_000243.3(MEFV):c.523C>T (p.Pro175Ser)

Gene: MEFV (MEFV innate immunity regulator, pyrin; minus strand). Cytogenetic location: 16p13.3.
Variant type: single nucleotide variant.
Coding change: c.523C>T on transcript NM_000243.3 (MANE Select); coding-DNA position 523, C replaced by T.
Protein change: p.Pro175Ser; replaces proline 175 with serine.
Molecular consequence: missense variant. On other transcripts: intron variant (1).
Genome position (GRCh38, 1-based): chr16:3,254,545, G>A on the plus strand (C>T on the coding strand, the complement: MEFV is on the minus strand). VCF-style: chr16-3254545-G-A. GRCh37 (hg19) VCF-style: chr16-3304545-G-A.
Other names: c.277+1766C>T (NM_001198536.2); short protein forms P175S.
Identifiers: ClinVar variation 2166892 (VCV002166892.1), dbSNP rs867194973, ClinGen allele CA276902735.

ClinVar aggregate classification (germline): Uncertain significance (1 of 4 stars; one submission).

Conditions:
Familial Mediterranean fever (FMF). Also called: POLYSEROSITIS, FAMILIAL PAROXYSMAL; POLYSEROSITIS, RECURRENT; Periodic peritonitis; Benign paroxysmal peritonitis. Identifiers: Orphanet 342, MedGen C0031069, MONDO:0018088, OMIM 249100. Disease mechanism: gain of function.

Allele frequency attached by ClinVar (database versions not stated): gnomAD exomes 0.00001.

Submission:

Labcorp Genetics (formerly Invitae), Labcorp
Classification: Uncertain significance for Familial Mediterranean fever. Last evaluated: 2022-06-10. Review status: criteria provided, single submitter. Criteria: Invitae Variant Classification Sherloc (09022015). Collection method: clinical testing. Allele origin: germline.
Comment: This sequence change replaces proline, which is neutral and non-polar, with serine, which is neutral and polar, at codon 175 of the MEFV protein (p.Pro175Ser). The frequency data for this variant in the population databases is considered unreliable, as metrics indicate poor data quality at this position in the gnomAD database. This variant has not been reported in the literature in individuals affected with MEFV-related conditions. Algorithms developed to predict the effect of missense changes on protein structure and function output the following: SIFT: "Deleterious"; PolyPhen-2: "Benign"; Align-GVGD: "Class C0". The serine amino acid residue is found in multiple mammalian species, which suggests that this missense change does not adversely affect protein function. In summary, the available evidence is currently insufficient to determine the role of this variant in disease. Therefore, it has been classified as a Variant of Uncertain Significance.